The following is an entry in ClinVar:

ClinVar aggregate classification (germline): Likely benign (1 of 4 stars; one submission).

Allele frequency attached by ClinVar (database versions not stated): TOPMed 0.00488; gnomAD exomes 0.00643; ESP Exome Variant Server 0.00258; 1000 Genomes Project 0.00300; 1000 Genomes Project 30x 0.00312; ExAC 0.00900.
gnomAD v4.1: 9,677 of 1,541,844 alleles (0.63%); highest among the groups gnomAD compares: Non-Finnish European, 0.73%; 23 homozygotes.

Submission:

CeGaT Center for Human Genetics Tuebingen
Classification: Likely benign. Last evaluated: 2023-04-01. Review status: criteria provided, single submitter. Criteria: CeGaT Center For Human Genetics Tuebingen Variant Classification Criteria Version 2. Collection method: clinical testing. Allele origin: germline. Affected: yes. Observed: 2 variant alleles.
Comment: PLCH2: BS2

NM_014638.4(PLCH2):c.4088T>G (p.Leu1363Arg)

Gene: PLCH2 (phospholipase C eta 2; plus strand). Cytogenetic location: 1p36.32.
Variant type: single nucleotide variant.
Coding change: c.4088T>G on transcript NM_014638.4 (MANE Select); coding-DNA position 4088, T replaced by G.
Protein change: p.Leu1363Arg; replaces leucine 1363 with arginine.
Molecular consequence: missense variant. On other transcripts: 3 prime UTR variant (2).
Genome position (GRCh38, 1-based): chr1:2,505,050, T>G. VCF-style: chr1-2505050-T-G. GRCh37 (hg19) VCF-style: chr1-2436489-T-G.
Other names: c.*1423T>G (NM_001303012.2); c.*1065T>G (NM_001303013.1); short protein forms L1363R.
Identifiers: ClinVar variation 2638084 (VCV002638084.24), dbSNP rs200148931, ClinGen allele CA539841.